The following is an entry in ClinVar:

ClinVar aggregate classification (germline): Uncertain significance (1 of 4 stars; one submission).

Conditions:
Early-infantile DEE. Also called: Ohtahara syndrome; Early infantile epileptic encephalopathy with suppression bursts; Early infantile epileptic encephalopathy. Identifiers: Orphanet 1934, MedGen C0393706, MONDO:0800491.

Submission:

Labcorp Genetics (formerly Invitae), Labcorp
Classification: Uncertain significance for Early-infantile DEE. Last evaluated: 2024-03-14. Review status: criteria provided, single submitter. Criteria: Invitae Variant Classification Sherloc (09022015). Collection method: clinical testing. Allele origin: germline.
Comment: This sequence change replaces asparagine, which is neutral and polar, with lysine, which is basic and polar, at codon 818 of the SCN8A protein (p.Asn818Lys). This variant is not present in population databases (gnomAD no frequency). This variant has not been reported in the literature in individuals affected with SCN8A-related conditions. Advanced modeling of protein sequence and biophysical properties (such as structural, functional, and spatial information, amino acid conservation, physicochemical variation, residue mobility, and thermodynamic stability) performed at Invitae indicates that this missense variant is expected to disrupt SCN8A protein function with a positive predictive value of 95%. In summary, the available evidence is currently insufficient to determine the role of this variant in disease. Therefore, it has been classified as a Variant of Uncertain Significance.

NM_001330260.2(SCN8A):c.2454C>G (p.Asn818Lys)

Gene: SCN8A (sodium voltage-gated channel alpha subunit 8; plus strand). Cytogenetic location: 12q13.13.
Variant type: single nucleotide variant.
Coding change: c.2454C>G on transcript NM_001330260.2 (MANE Select); coding-DNA position 2454, C replaced by G.
Protein change: p.Asn818Lys; replaces asparagine 818 with lysine.
Molecular consequence: missense variant.
Genome position (GRCh38, 1-based): chr12:51,762,586, C>G. VCF-style: chr12-51762586-C-G. GRCh37 (hg19) VCF-style: chr12-52156370-C-G.
Other names: c.2454C>G, p.Asn818Lys (NM_001177984.3, NM_001369788.1, NM_014191.4); short protein forms N818K.
Identifiers: ClinVar variation 3678609 (VCV003678609.2).